The following is an entry in ClinVar:

NM_000051.4(ATM):c.4060C>A (p.Pro1354Thr)

Gene: ATM (ATM serine/threonine kinase; plus strand). Cytogenetic location: 11q22.3.
Variant type: single nucleotide variant.
Coding change: c.4060C>A on transcript NM_000051.4 (MANE Select); coding-DNA position 4060, C replaced by A.
Protein change: p.Pro1354Thr; replaces proline 1354 with threonine.
Molecular consequence: missense variant.
Genome position (GRCh38, 1-based): chr11:108,287,666, C>A. VCF-style: chr11-108287666-C-A. GRCh37 (hg19) VCF-style: chr11-108158393-C-A.
Other names: p.P1354T:CCA>ACA; c.4060C>A, p.Pro1354Thr (NM_001351834.2); short protein forms P1354T.
Identifiers: ClinVar variation 127379 (VCV000127379.88), dbSNP rs145119475, ClinGen allele CA206573.

ClinVar aggregate classification (germline): Conflicting classifications of pathogenicity. Review status: criteria provided, conflicting classifications (1 of 4 stars). 22 submissions from 22 submitters: Uncertain significance (9); Benign (1); Likely benign (8). 4 of the submissions do not count toward it. Last evaluated 2026-06-30.

Conditions:
ATM-related disorder. Also called: ATM-related disorders; ATM-related condition.
Hereditary cancer. Identifiers: MedGen C1333600.
Hereditary cancer-predisposing syndrome. Also called: Tumor predisposition; Hereditary neoplastic syndrome; Neoplastic Syndromes, Hereditary; Hereditary Cancer Syndrome. Identifiers: Orphanet 140162, MedGen C0027672, MeSH D009386, MONDO:0015356.
Familial cancer of breast. Also called: Hereditary breast cancer; hereditary breast carcinoma; BREAST CANCER, FAMILIAL. Identifiers: Orphanet 227535, MedGen C0346153, MONDO:0016419, OMIM 114480. Disease mechanism: loss of function.
Ataxia-telangiectasia syndrome (AT). Also called: LOUIS-BAR SYNDROME; Ataxia-telangiectasia; Ataxia telangiectasia (A-T); Cerebello-oculocutaneous telangiectasia; Immunodeficiency with ataxia telangiectasia; Ataxia-telangiectasia, complementation group D. Identifiers: Orphanet 100, MedGen C0004135, MONDO:0008840, OMIM 208900.
Malignant tumor of breast. Also called: Malignant breast neoplasm; Cancer breast. Identifiers: MedGen C0006142, MONDO:0007254. Disease mechanism: loss of function.

Allele frequency attached by ClinVar (database versions not stated): gnomAD 0.00017 and 0.00019; gnomAD exomes 0.00018 and 0.00019; TOPMed 0.00020; ExAC 0.00021; ESP Exome Variant Server 0.00023.
gnomAD v4.1: 296 of 1,613,640 alleles (0.018%); highest among the groups gnomAD compares: Non-Finnish European, 0.023%; no homozygotes.

Submissions 1 to 15 of 22:

Women's Health and Genetics/Laboratory Corporation of America, LabCorp
Classification: Likely benign. Last evaluated: 2026-06-30. Review status: criteria provided, single submitter. Criteria: LabCorp Variant Classification Summary - May 2015. Collection method: clinical testing. Allele origin: germline.
Comment: Variant summary: ATM c.4060C>A (p.Pro1354Thr) results in a non-conservative amino acid change in the encoded protein sequence. Algorithms developed to predict the effect of missense changes on protein structure and function are either unavailable or do not agree on the potential impact of this missense change. The variant allele was found at a frequency of 0.00019 in 248752 control chromosomes, predominantly at a frequency of 0.0004 within the Non-Finnish European subpopulation in the gnomAD database. This frequency is not significantly higher than estimated for a pathogenic variant in ATM causing Breast Cancer (0.00019 vs 0.001), allowing no conclusion about variant significance. However, in certain European subpopulations the variant occurs with an even higher frequency, e.g. in Southern Europeans 0.0012 (14/11412 alleles), suggesting that the variant could be a benign polymorphism. In addition, the variant was reported in 6/7325 European American women, who were older than age 70, and have never had cancer (in the FLOSSIES database). c.4060C>A has been reported in the literature in individuals affected with Breast Cancer and other tumor phenotypes, but was also repeatedly found in controls or non-cancer-related patient cohorts (e.g. Tavtigian_2009, Bernstein_2010, Tavera-Tapia_2017, Tiao_2017, Quezada Urban_2018, Urbina-Jara_2019, Kraemer_2019, Fanale_2020, Dorling_2021, Guglielmi_2021, Yu_2022), providing no strong evidence for causality. To our knowledge, no experimental evidence demonstrating an impact on protein function has been reported. The following publications have been ascertained in the context of this evaluation (PMID: 21787400, 19781682, 20305132, 26689913, 27913932, 28652578, 30262796, 31422574, 31658756, 32854451, 34299313, 35047863). ClinVar contains an entry for this variant (Variation ID: 127379). Based on the evidence outlined above, the variant was classified as likely benign.

Labcorp Genetics (formerly Invitae), Labcorp
Classification: Benign for Ataxia-telangiectasia syndrome. Last evaluated: 2026-02-04. Review status: criteria provided, single submitter. Criteria: Invitae Variant Classification Sherloc (09022015). Collection method: clinical testing. Allele origin: germline.

PreventionGenetics, part of Exact Sciences
Classification: Likely benign for ATM-related condition. Last evaluated: 2025-12-19. Review status: criteria provided, single submitter. Criteria: ACMG Guidelines, 2015. Collection method: clinical testing. Allele origin: germline.
Comment: This variant is classified as likely benign based on ACMG/AMP sequence variant interpretation guidelines (Richards et al. 2015 PMID: 25741868, with internal and published modifications).

Blueprint Genetics
Classification: Likely benign. Last evaluated: 2024-10-22. Review status: criteria provided, single submitter. Criteria: ACMG Guidelines, 2015. Collection method: clinical testing. Allele origin: germline.

Myriad Genetics, Inc.
Classification: Likely benign for Familial cancer of breast. Last evaluated: 2024-05-16. Review status: criteria provided, single submitter. Criteria: Myriad Autosomal Dominant, Autosomal Recessive and X-Linked Classification Criteria (2023). Collection method: clinical testing. Allele origin: unknown.
Comment: This variant is considered likely benign. This variant is strongly associated with less severe personal and family histories of cancer, typical for individuals without pathogenic variants in this gene [PMID: 25085752].

Mendelics
Classification: Likely benign for Hereditary cancer. Last evaluated: 2024-01-23. Review status: criteria provided, single submitter. Criteria: ACMG Guidelines, 2015. Collection method: clinical testing. Allele origin: unknown.

Institute for Biomarker Research, Medical Diagnostic Laboratories, L.L.C.
Classification: Uncertain significance for Hereditary cancer-predisposing syndrome. Last evaluated: 2023-09-21. Review status: criteria provided, single submitter. Criteria: ACMG Guidelines, 2015. Collection method: clinical testing. Allele origin: germline.

GeneDx
Classification: Uncertain significance. Last evaluated: 2023-04-10. Review status: criteria provided, single submitter. Criteria: GeneDx Variant Classification Process June 2021. Collection method: clinical testing. Allele origin: germline. Affected: yes.
Comment: In silico analysis supports that this missense variant does not alter protein structure/function; This variant is associated with the following publications: (PMID: 19781682, 28779002, 33280026, 34299313, 20305132, 21787400, 26689913, 29522266, 30262796, 29684080, 28652578, 27913932, 31658756, 32854451, 35047863)

CeGaT Center for Human Genetics Tuebingen
Classification: Uncertain significance. Last evaluated: 2023-01-01. Review status: criteria provided, single submitter. Criteria: CeGaT Center For Human Genetics Tuebingen Variant Classification Criteria Version 2. Collection method: clinical testing. Allele origin: germline. Affected: yes. Observed: 1 variant allele.
Comment: ATM: PM2, BP4

Athena Diagnostics
Classification: Likely benign. Last evaluated: 2022-06-28. Review status: criteria provided, single submitter. Criteria: Athena Diagnostics Criteria. Collection method: clinical testing. Allele origin: unknown.

Sema4
Classification: Uncertain significance for Hereditary cancer-predisposing syndrome. Last evaluated: 2021-08-19. Review status: criteria provided, single submitter. Criteria: Sema4 Curation Guidelines. Collection method: curation. Allele origin: germline.
Comment: The ATM c.4060C>A (p.1354T) variant has been reported in heterozygosity in numerous individuals being evaluated for hereditary breast and ovarian cancer syndromes (PMID: 20305132, 27913932, 28779002, 29522266, 30262796, 32854451). It has also been seen in numerous individuals in control populations and those without cancer (PMID: 28652578, 28779002, 33471991, FLOSSIES database). It was observed in 49/126632 chromosomes of the Non-Finnish European subpopulation, with no homozygotes, in the large and broad cohorts of the Genome Aggregation Database (PMID: 32461654). The variant has been reported in ClinVar (Variation ID 127379). In silico tools suggest the impact of the variant on protein function is benign, though these predictions have not been confirmed by functional studies. The evidence is insufficient to meet ACMG/AMP criteria for classifying the variant as benign or pathogenic. Thus, the clinical significance of this variant is currently uncertain.

Ambry Genetics
Classification: Likely benign for Hereditary cancer-predisposing syndrome. Last evaluated: 2021-03-23. Review status: criteria provided, single submitter. Criteria: Ambry Variant Classification Scheme 2023. Collection method: clinical testing. Allele origin: germline.

Mayo Clinic Laboratories, Mayo Clinic
Classification: Uncertain significance. Last evaluated: 2020-11-25. Review status: criteria provided, single submitter. Criteria: ACMG Guidelines, 2015. Collection method: clinical testing. Allele origin: germline. Observed: 1 variant allele.

Spanish ATM Cancer Susceptibility Variant Interpretation Working Group
Classification: Uncertain significance for Hereditary cancer-predisposing syndrome. Last evaluated: 2020-06-17. Review status: criteria provided, single submitter. Criteria: Feliubadaló L et al. (Clin Chem 2021). Collection method: clinical testing. Allele origin: germline. Affected: yes. Observed: 2 heterozygotes. Clinical features observed: Breast carcinoma, Renal cancer.
Comment: The c.4060C>A (p.Pro1354Thr) variant has an allele frequency of 0.00018 (0.002%, 48/ 265,608 alleles) in the gnomAD v2.1.1 non-cancer dataset, with a maximal frequency of 0.00038 (0.04%, 44/115,626 alleles) in the European (non-Finnish) subpopulation (no population frequency criterion met). It is not predicted to lead to a splicing alteration as per SPiCE predictor and no splicing site is created/activated according to at least 3 splicing predictors of the set SpliceSiteFinderlike - MaxEntScan - NNSplice - GeneSplicer. Also, this missense variant does not alter the protein function / structure on the in-silico prediction reports of REVEL and Vest4 (BP4). There is no other supporting data that meet criteria for consideration. Therefore, the clinical significance of this variant is uncertain. Adapted ACMG/AMP rules applied as defined by the Spanish ATM working group: BP4 (PMID: 33280026).

Quest Diagnostics Nichols Institute San Juan Capistrano
Classification: Uncertain significance. Last evaluated: 2019-10-17. Review status: criteria provided, single submitter. Criteria: Quest Diagnostics criteria. Collection method: clinical testing. Allele origin: unknown.